The following is an entry in ClinVar:

NM_020975.6(RET):c.1879+5G>A

Gene: RET (ret proto-oncogene; plus strand). Cytogenetic location: 10q11.21.
Variant type: single nucleotide variant.
Coding change: c.1879+5G>A on transcript NM_020975.6 (MANE Select); 5 bases into the intron after coding-DNA position 1879, G replaced by A.
Molecular consequence: intron variant.
Genome position (GRCh38, 1-based): chr10:43,113,680, G>A. VCF-style: chr10-43113680-G-A. GRCh37 (hg19) VCF-style: chr10-43609128-G-A.
Other names: c.1879+5G>A (NM_020630.7, NM_001406743.1, NM_001406744.1 and 4 more transcripts); c.1483+5G>A (NM_001406772.1, NM_001406769.1); c.1441+5G>A (NM_001406773.1, NM_001406771.1); c.982+5G>A (NM_001406782.1, NM_001406780.1, NM_001406779.1 and 2 more transcripts); c.862+717G>A (NM_001406785.1); c.1750+5G>A (NM_001406764.1, NM_001406762.1, NM_001406761.1 and 1 more transcripts); c.1354+5G>A (NM_001406774.1); c.853+5G>A (NM_001406786.1, NM_001406783.1); and 7 more.
Identifiers: ClinVar variation 4863251 (VCV004863251.1).

ClinVar aggregate classification (germline): Uncertain significance (1 of 4 stars; one submission).

Conditions:
Hereditary cancer-predisposing syndrome. Also called: Neoplastic Syndromes, Hereditary; Tumor predisposition; Hereditary Cancer Syndrome; Hereditary neoplastic syndrome. Identifiers: Orphanet 140162, MedGen C0027672, MeSH D009386, MONDO:0015356.

Submission:

Ambry Genetics
Classification: Uncertain significance for Hereditary cancer-predisposing syndrome. Last evaluated: 2026-04-06. Review status: criteria provided, single submitter. Criteria: Ambry Variant Classification Scheme 2023. Collection method: clinical testing. Allele origin: germline.
Comment: The c.1879+5G>A intronic variant results from a G to A substitution 5 nucleotides after coding exon 10 in the RET gene. This nucleotide position is well conserved in available vertebrate species. In silico splice site analysis predicts that this alteration will weaken the native splice donor site. Based on the available evidence, the clinical significance of this variant remains unclear.